The following is an entry in ClinVar:

NM_000270.4(PNP):c.513del (p.Arg171fs)

Gene: PNP (purine nucleoside phosphorylase; plus strand). Cytogenetic location: 14q11.2.
Variant type: Deletion.
Coding change: c.513del on transcript NM_000270.4 (MANE Select); coding-DNA position 513, one base deleted (G; older notation c.513delG).
Protein change: p.Arg171fs; shifts the reading frame from arginine 171.
Molecular consequence: frameshift variant.
Genome position (GRCh38, 1-based): chr14:20,475,113, G deleted; the last of 2 consecutive G bases (chr14:20,475,112-20,475,113); deleting either gives the same sequence. VCF-style (leftmost placement, unchanged base first): chr14-20475111-AG-A. GRCh37 (hg19) VCF-style: chr14-20943270-AG-A.
Other names: short protein forms R171fs.
Identifiers: ClinVar variation 3023072 (VCV003023072.3), dbSNP rs755340747, ClinGen allele CA7082157.

ClinVar aggregate classification (germline): Pathogenic (1 of 4 stars; one submission).

Conditions:
Purine-nucleoside phosphorylase deficiency. Also called: NUCLEOSIDE PHOSPHORYLASE DEFICIENCY; Immunodeficiency due to purine nucleoside phosphorylase deficiency. Identifiers: Orphanet 760, MedGen C0268125, MONDO:0013171, OMIM 613179.

Submission:

Labcorp Genetics (formerly Invitae), Labcorp
Classification: Pathogenic for Purine-nucleoside phosphorylase deficiency. Last evaluated: 2025-12-16. Review status: criteria provided, single submitter. Criteria: Invitae Variant Classification Sherloc (09022015). Collection method: clinical testing. Allele origin: germline.
Comment: This sequence change creates a premature translational stop signal (p.Arg171Serfs*23) in the PNP gene. It is expected to result in an absent or disrupted protein product. Loss-of-function variants in PNP are known to be pathogenic (PMID: 24767876). This variant is present in population databases (rs755340747, gnomAD 0.0009%). This variant has not been reported in the literature in individuals affected with PNP-related conditions. ClinVar contains an entry for this variant (Variation ID: 3023072). For these reasons, this variant has been classified as Pathogenic.

Literature cited by the submitters: PubMed 24767876.